The following is an entry in ClinVar:

NM_002485.5(NBN):c.758_762del (p.Thr253fs)

Gene: NBN (nibrin; minus strand). Cytogenetic location: 8q21.3.
Variant type: Deletion.
Coding change: c.758_762del on transcript NM_002485.5 (MANE Select); coding-DNA positions 758 to 762, 5 bases deleted (CAGAA; older notation c.758_762delCAGAA).
Protein change: p.Thr253fs; shifts the reading frame from threonine 253.
Molecular consequence: frameshift variant.
Genome position (GRCh38, 1-based): chr8:89,970,498-89,970,502, TTCTG deleted on the plus strand (CAGAA on the coding strand, the reverse complement: NBN is on the minus strand); deleting any 5 consecutive bases within chr8:89,970,498-89,970,504 gives the same sequence; the c. name uses the placement nearest the transcript's 3' end. VCF-style (leftmost placement, unchanged base first): chr8-89970497-CTTCTG-C. GRCh37 (hg19) VCF-style: chr8-90982725-CTTCTG-C.
Other names: c.512_516del, p.Thr171fs (NM_001024688.3, NM_001440379.1, NM_001440380.1); c.756_760delAACAG, p.Thr253Argfs (NM_002485.4); short protein forms T171fs, T253fs.
Identifiers: ClinVar variation 4815069 (VCV004815069.1).
Genomic context (GRCh38, chr8:89,970,497, plus strand): 5'-TTCCTGTATCAACAACACACGTTCCCGGAGCCAAAAAGAAATTATGTTCTTCTTCATTCT[CTTCTG>C]TTATCAACCTAGCTTCCCCACCTCCAAAGACAACTGCGGAACTCAATTTCTTATGCTAAA-3'

ClinVar aggregate classification (germline): Likely pathogenic (1 of 4 stars; one submission).

Conditions:
Microcephaly, normal intelligence and immunodeficiency (NBS). Also called: Nijmegen breakage syndrome; Microcephaly with normal intelligence immunodeficiency and lymphoreticular malignancies; Nonsyndromal microcephaly autosomal recessive with normal intelligence; Seemanova syndrome 2; BERLIN BREAKAGE SYNDROME; Ataxia telangiectasia variant V1. Identifiers: Orphanet 647, MedGen C0398791, MONDO:0009623, OMIM 251260.

Submission:

Natera, Inc.
Classification: Likely pathogenic for Nijmegen breakage syndrome. Last evaluated: 2025-10-13. Review status: criteria provided, single submitter. Criteria: Natera Variant Classification Schema (03/2026). Collection method: clinical testing. Allele origin: germline.
Comment: The c.758_762del variant in NBN is a frameshift variant predicted to shift the reading frame beginning at codon 253 and leads to a stop codon 3 codons downstream. This variant is expected to result in nonsense mediated decay, truncation, or a dysfunctional protein product. This variant is rare in the general population with a frequency below the threshold expected for the associated phenotype(s). Given the available evidence, this variant is classified as Likely Pathogenic.